The following is an entry in ClinVar:

ClinVar aggregate classification (germline): Pathogenic. Review status: criteria provided, multiple submitters, no conflicts (2 of 4 stars). 17 submissions from 17 submitters: Pathogenic (15). 2 of the submissions do not count toward it. Last evaluated 2025-12-14.

Conditions:
CTC1-related disorder. Also called: CTC1-related condition.
Inborn genetic diseases. Identifiers: MedGen C0950123, MeSH D030342.
Cerebroretinal microangiopathy with calcifications and cysts 1 (CRMCC1). Identifiers: Orphanet 313838, MedGen C4552029, MONDO:0024564, OMIM 612199.
Dyskeratosis congenita. Identifiers: Orphanet 1775, MedGen C0265965, MONDO:0015780.

Submissions 1 to 12 of 17:

Labcorp Genetics (formerly Invitae), Labcorp
Classification: Pathogenic for Dyskeratosis congenita. Last evaluated: 2025-12-14. Review status: criteria provided, single submitter. Criteria: Invitae Variant Classification Sherloc (09022015). Collection method: clinical testing. Allele origin: germline.
Comment: This sequence change creates a premature translational stop signal (p.Lys242Leufs*41) in the CTC1 gene. It is expected to result in an absent or disrupted protein product. Loss-of-function variants in CTC1 are known to be pathogenic (PMID: 22267198, 22387016). This variant is present in population databases (rs199473674, gnomAD 0.05%). This premature translational stop signal has been observed in individuals with CTC1-related conditions (PMID: 22267198, 22387016, 22532422, 22899577). ClinVar contains an entry for this variant (Variation ID: 30995). Algorithms developed to predict the effect of sequence changes on RNA splicing suggest that this variant may disrupt the consensus splice site. For these reasons, this variant has been classified as Pathogenic.

3billion
Classification: Pathogenic for Cerebroretinal microangiopathy with calcifications and cysts 1. Last evaluated: 2025-04-06. Review status: criteria provided, single submitter. Criteria: ACMG Guidelines, 2015. Collection method: clinical testing. Allele origin: germline. Affected: yes.
Comment: The variant is observed at an extremely low frequency in the gnomAD v4.1.0 dataset (total allele frequency: 0.028%). Predicted Consequence/Location: Frameshift: predicted to result in a loss or disruption of normal protein function through nonsense-mediated decay (NMD) or protein truncation. Multiple pathogenic variants are reported downstream of the variant. The variant has been reported at least twice as pathogenic with clinical assertions and evidence for the classification (ClinVar ID: VCV000030995 / PMID: 22267198). Therefore, this variant is classified as Pathogenic according to the recommendation of ACMG/AMP guideline.

ARUP Laboratories, Molecular Genetics and Genomics, ARUP Laboratories
Classification: Pathogenic for Cerebroretinal microangiopathy with calcifications and cysts 1. Last evaluated: 2025-02-06. Review status: criteria provided, single submitter. Criteria: ARUP Molecular Germline Variant Investigation Process 2024. Collection method: clinical testing. Allele origin: germline.
Comment: The CTC1 c.724_727del; p.Lys242LeufsTer41variant (rs199473674) is reported in the literature in individuals affected with bone marrow failure syndromes who also carry a pathogenic variant in trans (Keller 2012, Polvi 2012, Shen 2019, Walne 2013). This variant is also reported in ClinVar (Variation ID: 30995). This variant is found in the general population with an overall allele frequency of 0.02% (54/280,872 alleles) in the Genome Aggregation Database (v2.1.1). This variant causes a frameshift by deleting four nucleotides, so it is predicted to result in a truncated protein or mRNA subject to nonsense-mediated decay. Based on available information, this variant is considered to be pathogenic. References: Keller RB et al. CTC1 Mutations in a patient with dyskeratosis congenita. Pediatric blood & cancer. 2012 Aug. PMID: 22532422 Polvi A et al. Mutations in CTC1, encoding the CTS telomere maintenance complex component 1, cause cerebroretinal microangiopathy with calcifications and cysts. Am J Hum Genet. 2012 Mar 9. PMID: 22387016 Shen W et al. Impact of germline CTC1 alterations on telomere length in acquired bone marrow failure. Br J Haematol. 2019 Jun. PMID: 30891747 Walne AJ et al. Mutations in the telomere capping complex in bone marrow failure and related syndromes. Haematologica. 2013 Mar. PMID: 22899577

Victorian Clinical Genetics Services, Murdoch Childrens Research Institute
Classification: Pathogenic for Cerebroretinal microangiopathy with calcifications and cysts 1. Last evaluated: 2024-11-26. Review status: criteria provided, single submitter. Criteria: ACMG Guidelines, 2015. Collection method: clinical testing. Allele origin: germline. Affected: yes.
Comment: This variant is classified as Pathogenic. Evidence in support of pathogenic classification: Variant is predicted to cause nonsense-mediated decay (NMD) and loss of protein (premature termination codon is located at least 54 nucleotides upstream of the final exon-exon junction); Variant is present in gnomAD <0.01 for a recessive condition (v4: 448 heterozygote(s), 0 homozygote(s)); This variant has strong previous evidence of pathogenicity in unrelated individuals.This variant has been classified as pathogenic twelve times by clinical laboratories in ClinVar; Other NMD-predicted variants comparable to the one identified in this case have very strong previous evidence for pathogenicity. Many NMD-predicted variants have been classified as pathogenic or likely pathogenic by clinical laboratories in ClinVar. Additional information: This variant is heterozygous; This gene is associated with autosomal recessive disease; Loss of function is a known mechanism of disease in this gene and is associated with cerebroretinal microangiopathy with calcifications and cysts (MIM#612199); Inheritance information for this variant is not currently available in this individual.

Blueprint Genetics
Classification: Pathogenic for CTC1-related disorders. Last evaluated: 2024-09-16. Review status: criteria provided, single submitter. Criteria: ACMG Guidelines, 2015. Collection method: clinical testing. Allele origin: germline. Affected: yes. Observed: 5 variant alleles.

Fulgent Genetics
Classification: Pathogenic for Cerebroretinal microangiopathy with calcifications and cysts 1. Last evaluated: 2024-04-29. Review status: criteria provided, single submitter. Criteria: ACMG Guidelines, 2015. Collection method: clinical testing. Allele origin: germline.

Women's Health and Genetics/Laboratory Corporation of America, LabCorp
Classification: Pathogenic for Cerebroretinal microangiopathy with calcifications and cysts 1. Last evaluated: 2024-01-18. Review status: criteria provided, single submitter. Criteria: LabCorp Variant Classification Summary - May 2015. Collection method: clinical testing. Allele origin: germline.
Comment: Variant summary: CTC1 c.724_727delAAAG (p.Lys242LeufsX41) results in a premature termination codon, predicted to cause a truncation of the encoded protein or absence of the protein due to nonsense mediated decay, which are commonly known mechanisms for disease. The variant allele was found at a frequency of 0.0002 in 249584 control chromosomes. This frequency is not significantly higher than estimated for a pathogenic variant in CTC1 causing Cerebroretinal Microangiopathy With Calcifications And Cysts 1 (0.0002 vs 0.0011), allowing no conclusion about variant significance. c.724_727delAAAG has been reported in the literature in individuals affected with Cerebroretinal Microangiopathy With Calcifications And Cysts 1 (Anderson_2012). These data indicate that the variant is likely to be associated with disease. To our knowledge, no experimental evidence demonstrating an impact on protein function has been reported. The following publication have been ascertained in the context of this evaluation (PMID: 22267198). ClinVar contains an entry for this variant (Variation ID: 30995). Based on the evidence outlined above, the variant was classified as pathogenic.

Revvity Omics, Revvity
Classification: Pathogenic for Cerebroretinal microangiopathy with calcifications and cysts 1. Last evaluated: 2023-12-18. Review status: criteria provided, single submitter. Criteria: ACMG Guidelines, 2015. Collection method: clinical testing. Allele origin: germline.

Baylor Genetics
Classification: Pathogenic for Cerebroretinal microangiopathy with calcifications and cysts 1. Last evaluated: 2023-10-24. Review status: criteria provided, single submitter. Criteria: ACMG Guidelines, 2015. Collection method: clinical testing. Allele origin: unknown.

GeneDx
Classification: Pathogenic. Last evaluated: 2022-08-31. Review status: criteria provided, single submitter. Criteria: GeneDx Variant Classification Process June 2021. Collection method: clinical testing. Allele origin: germline. Affected: yes.
Comment: Frameshift variant predicted to result in protein truncation or nonsense mediated decay in a gene for which loss-of-function is a known mechanism of disease; This variant is associated with the following publications: (PMID: 22387016, 23869908, 22532422, Riquelme2020[Poster], 31589614, 30891747, 22899577, 22267198, 34706368, 30665703)

Mayo Clinic Laboratories, Mayo Clinic
Classification: Pathogenic. Last evaluated: 2022-02-04. Review status: criteria provided, single submitter. Criteria: ACMG Guidelines, 2015. Collection method: clinical testing. Allele origin: germline. Observed: 1 variant allele.
Comment: PP4, PM3_very_strong, PVS1

Genome-Nilou Lab
Classification: Pathogenic for Cerebroretinal microangiopathy with calcifications and cysts 1. Last evaluated: 2021-07-15. Review status: criteria provided, single submitter. Criteria: ACMG Guidelines, 2015. Collection method: clinical testing. Allele origin: germline. Affected: no.

NM_025099.6(CTC1):c.724_727del (p.Lys242fs)

Gene: CTC1 (CST telomere replication complex component 1; minus strand). Cytogenetic location: 17p13.1.
Variant type: Deletion.
Coding change: c.724_727del on transcript NM_025099.6 (MANE Select); coding-DNA positions 724 to 727, 4 bases deleted (AAAG; older notation c.724_727delAAAG).
Protein change: p.Lys242fs; shifts the reading frame from lysine 242.
Molecular consequence: frameshift variant.
Genome position (GRCh38, 1-based): chr17:8,237,440-8,237,443, CTTT deleted on the plus strand (AAAG on the coding strand, the reverse complement: CTC1 is on the minus strand); deleting any 4 consecutive bases within chr17:8,237,440-8,237,445 gives the same sequence; the c. name uses the placement nearest the transcript's 3' end. VCF-style (leftmost placement, unchanged base first): chr17-8237439-GCTTT-G. GRCh37 (hg19) VCF-style: chr17-8140757-GCTTT-G.
Other names: p.Lys242Leufs*41; c.724_727del, p.Lys242fs (LRG_1124t1); c.724_727delAAAG (NM_025099.6); short protein forms K242fs.
Identifiers: ClinVar variation 30995 (VCV000030995.40), dbSNP rs199473674, ClinGen allele CA129607.
Genomic context (GRCh38, chr17:8,237,439, plus strand): 5'-ACGATGATGGACACGTGGGTGACAGCTGGGTGTGATCTACCAAGAGACAGGATGAAGTAA[GCTTT>G]CTGTTTACTTTTCACCAGAGCACTCAATCGAACTAGACTCCCAGCCAGGTTTCGCTGCAC-3'